The following is an entry in ClinVar:

NM_001372066.1(TFAP2A):c.346C>T (p.Leu116=)

Gene: TFAP2A (transcription factor AP-2 alpha; minus strand). Cytogenetic location: 6p24.3.
Variant type: single nucleotide variant.
Coding change: c.346C>T on transcript NM_001372066.1 (MANE Select); coding-DNA position 346, C replaced by T.
Protein change: p.Leu116=; no amino-acid change (leucine 116 retained).
Molecular consequence: synonymous variant.
Genome position (GRCh38, 1-based): chr6:10,410,041, G>A on the plus strand (C>T on the coding strand, the complement: TFAP2A is on the minus strand). VCF-style: chr6-10410041-G-A. GRCh37 (hg19) VCF-style: chr6-10410274-G-A.
Other names: NM_003220.2:c.340C>T; c.322C>T, p.Leu108= (NM_001032280.3); c.328C>T, p.Leu110= (NM_001042425.3).
Identifiers: ClinVar variation 736915 (VCV000736915.13), dbSNP rs563009991, ClinGen allele CA3631353.

ClinVar aggregate classification (germline): Benign/Likely benign. Review status: criteria provided, multiple submitters, no conflicts (2 of 4 stars). 3 submissions from 3 submitters: Benign (1); Likely benign (1). 1 of the submissions does not count toward it. Last evaluated 2026-01-24.

Conditions:
TFAP2A-related disorder. Also called: TFAP2A-related condition.

Allele frequency attached by ClinVar (database versions not stated): gnomAD 0.00007 and 0.00013; gnomAD exomes 0.00008 and 0.00020; TOPMed 0.00020; ExAC 0.00031; 1000 Genomes Project 0.00100; 1000 Genomes Project 30x 0.00125.
gnomAD v4.1: 143 of 1,612,788 alleles (0.0089%); highest among the groups gnomAD compares: East Asian, 0.27%; no homozygotes.

Submissions (3):

Labcorp Genetics (formerly Invitae), Labcorp
Classification: Benign. Last evaluated: 2026-01-24. Review status: criteria provided, single submitter. Criteria: Invitae Variant Classification Sherloc (09022015). Collection method: clinical testing. Allele origin: germline.

Blueprint Genetics
Classification: Likely benign. Last evaluated: 2024-05-23. Review status: criteria provided, single submitter. Criteria: ACMG Guidelines, 2015. Collection method: clinical testing. Allele origin: germline.

PreventionGenetics, part of Exact Sciences
Classification: Likely benign for TFAP2A-related condition. Last evaluated: 2023-02-24. Review status: no assertion criteria provided. Collection method: clinical testing. Allele origin: germline. Not counted in ClinVar's aggregate classification.
Comment: This variant is classified as likely benign based on ACMG/AMP sequence variant interpretation guidelines (Richards et al. 2015 PMID: 25741868, with internal and published modifications).